The following is an entry in ClinVar:

NM_000069.3(CACNA1S):c.5595_5600del (p.Gln1865_Thr1867delinsHis)

Gene: CACNA1S (calcium voltage-gated channel subunit alpha1 S; minus strand). Cytogenetic location: 1q32.1.
Variant type: Deletion.
Coding change: c.5595_5600del on transcript NM_000069.3 (MANE Select); coding-DNA positions 5595 to 5600, 6 bases deleted (GGAGAC; older notation c.5595_5600delGGAGAC).
Protein change: p.Gln1865_Thr1867delinsHis.
Molecular consequence: inframe indel.
Genome position (GRCh38, 1-based): chr1:201,039,853-201,039,858, GTCTCC deleted on the plus strand (GGAGAC on the coding strand, the reverse complement: CACNA1S is on the minus strand). VCF-style (leftmost placement, unchanged base first): chr1-201039852-GGTCTCC-G. GRCh37 (hg19) VCF-style: chr1-201008980-GGTCTCC-G.
Identifiers: ClinVar variation 2929371 (VCV002929371.3), dbSNP rs1179389281, ClinGen allele CA528312221.

ClinVar aggregate classification (germline): Uncertain significance (1 of 4 stars; one submission).

Conditions:
Malignant hyperthermia, susceptibility to, 5 (MHS5). Also called: CACNA1S-Related Malignant Hyperthermia Susceptibility. Identifiers: Orphanet 423, MedGen C1866077, MONDO:0011163, OMIM 601887.
Hypokalemic periodic paralysis, type 1. Also called: Hypokalemic Periodic Paralysis Type 1 (AD); HypoPP. Identifiers: Orphanet 681, MedGen C3714580, MONDO:0042979, OMIM 170400.

Allele frequency attached by ClinVar (database versions not stated): gnomAD exomes below 0.00001.

Submission:

Labcorp Genetics (formerly Invitae), Labcorp
Classification: Uncertain significance for Hypokalemic periodic paralysis, type 1; Malignant hyperthermia, susceptibility to, 5. Last evaluated: 2022-12-20. Review status: criteria provided, single submitter. Criteria: Invitae Variant Classification Sherloc (09022015). Collection method: clinical testing. Allele origin: germline.
Comment: In summary, the available evidence is currently insufficient to determine the role of this variant in disease. Therefore, it has been classified as a Variant of Uncertain Significance. Experimental studies and prediction algorithms are not available or were not evaluated, and the functional significance of this variant is currently unknown. This variant has not been reported in the literature in individuals affected with CACNA1S-related conditions. This variant is present in population databases (no rsID available, gnomAD 0.002%). This variant, c.5595_5600del, is a complex sequence change that results in the deletion of 3 and insertion of 1 amino acid(s) in the CACNA1S protein (p.Gln1865_Thr1867delinsHis).